The following is an entry in ClinVar:

NM_005591.4(MRE11):c.748A>G (p.Lys250Glu)

Gene: MRE11 (MRE11 double strand break repair nuclease; minus strand). Cytogenetic location: 11q21.
Variant type: single nucleotide variant.
Coding change: c.748A>G on transcript NM_005591.4 (MANE Select); coding-DNA position 748, A replaced by G.
Protein change: p.Lys250Glu; replaces lysine 250 with glutamic acid.
Molecular consequence: missense variant.
Genome position (GRCh38, 1-based): chr11:94,471,671, T>C on the plus strand (A>G on the coding strand, the complement: MRE11 is on the minus strand). VCF-style: chr11-94471671-T-C. GRCh37 (hg19) VCF-style: chr11-94204837-T-C.
Other names: c.748A>G, p.Lys250Glu (NM_001330347.2, NM_005590.4); short protein forms K250E.
Identifiers: ClinVar variation 827078 (VCV000827078.4), dbSNP rs1591695245, ClinGen allele CA382375762.

ClinVar aggregate classification (germline): Uncertain significance (1 of 4 stars; one submission).

Conditions:
Hereditary cancer-predisposing syndrome. Also called: Neoplastic Syndromes, Hereditary; Tumor predisposition; Hereditary neoplastic syndrome; Hereditary Cancer Syndrome. Identifiers: Orphanet 140162, MedGen C0027672, MeSH D009386, MONDO:0015356.

Submission:

Ambry Genetics
Classification: Uncertain significance for Hereditary cancer-predisposing syndrome. Last evaluated: 2021-06-23. Review status: criteria provided, single submitter. Criteria: Ambry Variant Classification Scheme 2023. Collection method: clinical testing. Allele origin: germline.
Comment: The p.K250E variant (also known as c.748A>G), located in coding exon 7 of the MRE11A gene, results from an A to G substitution at nucleotide position 748. The lysine at codon 250 is replaced by glutamic acid, an amino acid with similar properties. This amino acid position is well conserved in available vertebrate species. In addition, the in silico prediction for this alteration is inconclusive. Since supporting evidence is limited at this time, the clinical significance of this alteration remains unclear.